The following is an entry in ClinVar:

ClinVar aggregate classification (germline): Uncertain significance. Review status: criteria provided, multiple submitters, no conflicts (2 of 4 stars). 2 submissions from 2 submitters: Uncertain significance (2). Last evaluated 2025-08-31.

Conditions:
Inborn genetic diseases. Identifiers: MedGen C0950123, MeSH D030342.
Primary open angle glaucoma (POAG). Also called: OPTN-related open angle glaucoma. Identifiers: MedGen C0339573, MONDO:0100553, OMIM 137760.
Glaucoma 1, open angle, E. Identifiers: MedGen C1842026, MONDO:0007665.
Amyotrophic lateral sclerosis type 12 (ALS12). Also called: AMYOTROPHIC LATERAL SCLEROSIS 12 WITH OR WITHOUT FRONTOTEMPORAL DEMENTIA. Identifiers: Orphanet 803, MedGen C3150692, MONDO:0013264, OMIM 613435.

gnomAD v4.1: 2 of 1,613,670 alleles (0.00012%); highest among the groups gnomAD compares: Admixed American, 0.0033%; no homozygotes.

Submissions (2):

Ambry Genetics
Classification: Uncertain significance for Inborn genetic diseases. Last evaluated: 2025-08-31. Review status: criteria provided, single submitter. Criteria: Ambry Variant Classification Scheme 2023. Collection method: clinical testing. Allele origin: germline.

Labcorp Genetics (formerly Invitae), Labcorp
Classification: Uncertain significance for Primary open angle glaucoma; Glaucoma 1, open angle, E; Amyotrophic lateral sclerosis type 12. Last evaluated: 2025-07-15. Review status: criteria provided, single submitter. Criteria: Invitae Variant Classification Sherloc (09022015). Collection method: clinical testing. Allele origin: germline.
Comment: This sequence change replaces arginine, which is basic and polar, with proline, which is neutral and non-polar, at codon 271 of the OPTN protein (p.Arg271Pro). This variant is not present in population databases (gnomAD no frequency). This variant has not been reported in the literature in individuals affected with OPTN-related conditions. Invitae Evidence Modeling of protein sequence and biophysical properties (such as structural, functional, and spatial information, amino acid conservation, physicochemical variation, residue mobility, and thermodynamic stability) indicates that this missense variant is not expected to disrupt OPTN protein function with a negative predictive value of 80%. In summary, the available evidence is currently insufficient to determine the role of this variant in disease. Therefore, it has been classified as a Variant of Uncertain Significance.

NM_001008212.2(OPTN):c.812G>C (p.Arg271Pro)

Gene: OPTN (optineurin; plus strand). Cytogenetic location: 10p13.
Variant type: single nucleotide variant.
Coding change: c.812G>C on transcript NM_001008212.2 (MANE Select); coding-DNA position 812, G replaced by C.
Protein change: p.Arg271Pro; replaces arginine 271 with proline.
Molecular consequence: missense variant.
Genome position (GRCh38, 1-based): chr10:13,122,417, G>C. VCF-style: chr10-13122417-G-C. GRCh37 (hg19) VCF-style: chr10-13164417-G-C.
Other names: c.812G>C, p.Arg271Pro (NM_001008211.1, NM_001008213.1, NM_021980.4); short protein forms R271P.
Identifiers: ClinVar variation 4125753 (VCV004125753.2).
Genomic context (GRCh38, chr10:13,122,417, plus strand): 5'-AACTTTTCTATCTTCTGTGATTTTCCAGAGTTTCAGATTTTGAAAAGAAAACAAGTAATC[G>C]TTCTGAGATTGAAACCCAGACAGAGGGGAGCACAGAGAAAGAGAATGATGAAGAGAAAGG-3'
Protein context (NP_001008213.1, residues 261-281): VSDFEKKTSN[Arg271Pro]SEIETQTEGS